The following is an entry in ClinVar:

ClinVar aggregate classification (germline): Uncertain significance (1 of 4 stars; one submission).

Conditions:
Hereditary breast ovarian cancer syndrome. Also called: Hereditary breast and/or ovarian cancer syndrome; BRCA1- and BRCA2-Associated Hereditary Breast and Ovarian Cancer; Hereditary breast and ovarian cancer syndrome; Hereditary breast and ovarian cancer; Hereditary breast and ovarian cancer syndrome (HBOC); Breast and ovarian cancer. Identifiers: Orphanet 145, MedGen C0677776, MeSH D061325, MONDO:0003582. Disease mechanism: loss of function.

Submissions (2):

Labcorp Genetics (formerly Invitae), Labcorp
Classification: Uncertain significance for Hereditary breast ovarian cancer syndrome. Last evaluated: 2019-04-10. Review status: criteria provided, single submitter. Criteria: Invitae Variant Classification Sherloc (09022015). Collection method: clinical testing. Allele origin: germline.
Comment: This sequence change replaces glutamine with arginine at codon 19 of the BRCA1 protein (p.Gln19Arg). The glutamine residue is highly conserved and there is a small physicochemical difference between glutamine and arginine. This variant is not present in population databases (ExAC no frequency). This variant has not been reported in the literature in individuals with BRCA1-related conditions. This variant has been reported not to substantially affect BRCA1 protein function (PMID: 30209399). In summary, the available evidence is currently insufficient to determine the role of this variant in disease. Therefore, it has been classified as a Variant of Uncertain Significance.

Brotman Baty Institute, University of Washington
No classification provided (evidence only). Condition: Breast-ovarian cancer, familial 1. Review status: no classification provided. Collection method: in vitro. Allele origin: not applicable. Functional consequence: functionally_normal. Not counted in ClinVar's aggregate classification.
ClinVar note: "not provided" was previously submitted as the classification for the variant. However, the classification appeared to be based only on an observation of functional data so it was converted to no classification on 2025-07-30.

Literature cited by the submitters: PubMed 30209399 (cited by Labcorp Genetics (formerly Invitae), Labcorp).

NM_007294.4(BRCA1):c.56A>G (p.Gln19Arg)

Gene: BRCA1 (BRCA1 DNA repair associated; minus strand). Cytogenetic location: 17q21.31.
Variant type: single nucleotide variant.
Coding change: c.56A>G on transcript NM_007294.4 (MANE Select); coding-DNA position 56, A replaced by G.
Protein change: p.Gln19Arg; replaces glutamine 19 with arginine.
Molecular consequence: missense variant. On other transcripts: 5 prime UTR variant (1), non-coding transcript variant (1).
Genome position (GRCh38, 1-based): chr17:43,124,041, T>C on the plus strand (A>G on the coding strand, the complement: BRCA1 is on the minus strand). VCF-style: chr17-43124041-T-C. GRCh37 (hg19) VCF-style: chr17-41276058-T-C.
Other names: c.56A>G, p.Gln19Arg (NM_001407665.1, NM_001407666.1, NM_001407667.1 and 193 more transcripts); c.-202A>G (NM_001407694.1, NM_001407724.1, NM_001407727.1 and 11 more transcripts); c.-206A>G (NM_001407695.1, NM_001408465.1); c.-347A>G (NM_001407696.1); c.-231A>G (NM_001407697.1, NM_001407846.1, NM_001407920.1); c.-32A>G (NM_001407698.1, NM_001407732.1, NM_001407736.1 and 23 more transcripts); c.-205A>G (NM_001407725.1, NM_001407730.1, NM_001407734.1 and 22 more transcripts); c.-151A>G (NM_001407726.1, NM_001407751.1); and 8 more; short protein forms Q19R.
Identifiers: ClinVar variation 864052 (VCV000864052.13), dbSNP rs2055725680, ClinGen allele CA10602045.